The following is an entry in ClinVar:

ClinVar aggregate classification (germline): Pathogenic/Likely pathogenic. Review status: criteria provided, multiple submitters, no conflicts (2 of 4 stars). 15 submissions from 15 submitters: Pathogenic (11); Likely pathogenic (1). 3 of the submissions do not count toward it. Last evaluated 2026-01-28.

Conditions:
Carnitine deficiency. Identifiers: MedGen C1142132.
SLC22A5-related disorder. Also called: SLC22A5-related condition.
Inborn genetic diseases. Identifiers: MedGen C0950123, MeSH D030342.
Renal carnitine transport defect (CDSP). Also called: CARNITINE DEFICIENCY, SYSTEMIC, DUE TO DEFECT IN RENAL REABSORPTION OF CARNITINE; CARNITINE TRANSPORTER, PLASMA-MEMBRANE, DEFICIENCY OF; CARNITINE UPTAKE DEFECT; Carnitine transporter deficiency; Systemic primary carnitine deficiency disease; Primary carnitine deficiency. Identifiers: Orphanet 158, MedGen C0342788, MONDO:0008919, OMIM 212140.

Allele frequency attached by ClinVar (database versions not stated): gnomAD exomes 0.00004; ExAC 0.00005; gnomAD 0.00005; TOPMed 0.00005.

Submissions (15):

Labcorp Genetics (formerly Invitae), Labcorp
Classification: Pathogenic for Renal carnitine transport defect. Last evaluated: 2026-01-28. Review status: criteria provided, single submitter. Criteria: Invitae Variant Classification Sherloc (09022015). Collection method: clinical testing. Allele origin: germline.
Comment: This sequence change creates a premature translational stop signal (p.Arg282*) in the SLC22A5 gene. It is expected to result in an absent or disrupted protein product. Loss-of-function variants in SLC22A5 are known to be pathogenic (PMID: 9916797). This variant is present in population databases (rs121908886, gnomAD 0.03%). This premature translational stop signal has been observed in individuals with primary carnitine deficiency (PMID: 10051646, 10425211, 10480371, 21922592). ClinVar contains an entry for this variant (Variation ID: 6416). Algorithms developed to predict the effect of sequence changes on RNA splicing suggest that this variant may disrupt the consensus splice site. For these reasons, this variant has been classified as Pathogenic.

Genesolutions, Medical Genetics Institutes, Ho Chi Minh City, Vietnam
Classification: Likely pathogenic for Renal carnitine transport defect. Last evaluated: 2025-09-24. Review status: criteria provided, single submitter. Criteria: ACMG Guidelines, 2015. Collection method: clinical testing. Allele origin: germline. Affected: yes.

Natera, Inc.
Classification: Pathogenic for Carnitine deficiency. Last evaluated: 2025-07-17. Review status: criteria provided, single submitter. Criteria: Natera Variant Classification Schema (03/2026). Collection method: clinical testing. Allele origin: germline.
Comment: The c.844C>T variant in SLC22A5 is a nonsense variant predicted to introduce a stop codon at amino acid 282. This variant is expected to result in nonsense mediated decay, truncation, or a dysfunctional protein product. This variant is rare in the general population with a frequency below the threshold expected for the associated phenotype(s). This variant has been observed in one or more individuals affected with the associated recessive disease, as either homozygous or compound heterozygous with a second variant (PMID: 28841266). Given the available evidence, this variant is classified as Pathogenic.

Ambry Genetics
Classification: Pathogenic for Inborn genetic diseases. Last evaluated: 2025-05-30. Review status: criteria provided, single submitter. Criteria: Ambry Variant Classification Scheme 2023. Collection method: clinical testing. Allele origin: germline.
Comment: The c.844C>T (p.R282*) alteration, located in exon 5 (coding exon 5) of the SLC22A5 gene, consists of a C to T substitution at nucleotide position 844. This changes the amino acid from a arginine (R) to a stop codon at amino acid position 282. This alteration is expected to result in loss of function by premature protein truncation or nonsense-mediated mRNA decay. Based on data from gnomAD, the T allele has an overall frequency of 0.004% (10/251492) total alleles studied. The highest observed frequency was 0.025% (4/16256) of African alleles. This variant has been identified in the homozygous state and/or in conjunction with other SLC22A5 variant(s) in individual(s) with features consistent with systemic primary carnitine deficiency (Vaz, 1999; Wang, 1999; Frigeni, 2017; Lin, 2021). In an assay testing SLC22A5 function, this variant showed a functionally abnormal result (Frigeni, 2017). Based on the available evidence, this alteration is classified as pathogenic.

Blueprint Genetics
Classification: Pathogenic for SLC22A5-related disorders. Last evaluated: 2024-11-26. Review status: criteria provided, single submitter. Criteria: ACMG Guidelines, 2015. Collection method: clinical testing. Allele origin: germline. Affected: yes. Observed: 5 variant alleles.

Fulgent Genetics
Classification: Pathogenic for Renal carnitine transport defect. Last evaluated: 2024-06-19. Review status: criteria provided, single submitter. Criteria: ACMG Guidelines, 2015. Collection method: clinical testing. Allele origin: germline.

Genome-Nilou Lab
Classification: Pathogenic for Renal carnitine transport defect. Last evaluated: 2021-07-15. Review status: criteria provided, single submitter. Criteria: ACMG Guidelines, 2015. Collection method: clinical testing. Allele origin: germline. Affected: no.

GeneDx
Classification: Pathogenic. Last evaluated: 2020-07-30. Review status: criteria provided, single submitter. Criteria: GeneDx Variant Classification Process June 2021. Collection method: clinical testing. Allele origin: germline. Affected: yes.
Comment: Reported in patients with an abnormal newborn screen for primary carnitine deficiency who did not have a second variant described (Li et al., 2010); Nonsense variant predicted to result in protein truncation or nonsense mediated decay in a gene for which loss-of-function is a known mechanism of disease; This variant is associated with the following publications: (PMID: 23090741, 10051646, 25087612, 25525159, 15714519, 20574985, 12204000, 10480371, 29636919, 28841266, 23430869, 21922592, 10425211)

ARUP Laboratories, Molecular Genetics and Genomics, ARUP Laboratories
Classification: Pathogenic for Renal carnitine transport defect. Last evaluated: 2020-05-22. Review status: criteria provided, single submitter. Criteria: ARUP Molecular Germline Variant Investigation Process. Collection method: clinical testing. Allele origin: germline.

CeGaT Center for Human Genetics Tuebingen
Classification: Pathogenic. Last evaluated: 2019-06-01. Review status: criteria provided, single submitter. Criteria: CeGaT Center For Human Genetics Tuebingen Variant Classification Criteria Version 2. Collection method: clinical testing. Allele origin: germline. Affected: yes. Observed: 1 variant allele.

Women's Health and Genetics/Laboratory Corporation of America, LabCorp
Classification: Pathogenic for Renal carnitine transport defect. Last evaluated: 2018-09-27. Review status: criteria provided, single submitter. Criteria: LabCorp Variant Classification Summary - May 2015. Collection method: clinical testing. Allele origin: germline.
Comment: Variant summary: SLC22A5 c.844C>T (p.Arg282X) results in a premature termination codon, predicted to cause a truncation of the encoded protein or absence of the protein due to nonsense mediated decay, which are commonly known mechanisms for disease. The variant allele was found at a frequency of 4.9e-05 in 121404 control chromosomes (gnomAD). c.844C>T has been reported in the literature in multiple individuals affected with Systemic Primary Carnitine Deficiency (e.g. Wang 1999, Burwinkel 1999, Dobrowolski 2005, Rose 2012). These data indicate that the variant is very likely to be associated with disease. Publications also reported experimental evidence evaluating an impact on protein function. The most pronounced variant effect results in <10% of normal activity (Wang 1999, Frigeni 2017). Three clinical diagnostic laboratories have submitted clinical-significance assessments for this variant to ClinVar after 2014 without evidence for independent evaluation. All laboratories classified the variant as pathogenic. Based on the evidence outlined above, the variant was classified as pathogenic.

Illumina Laboratory Services, Illumina
Classification: Pathogenic for Renal carnitine transport defect. Last evaluated: 2017-04-28. Review status: criteria provided, single submitter. Criteria: ICSL Variant Classification Criteria 09 May 2019. Collection method: clinical testing. Allele origin: germline.
Comment: The SLC22A5 c.844C>T (p.Arg282Ter) variant is a stop-gained variant that is predicted to result in premature termination of the protein. The p.Arg282Ter variant has been reported in at least seven studies in a total of ten individuals with systemic primary carnitine deficiency, including in three in a homozygous state, in three in a compound heterozygous state, and in four in a heterozygous state (Burwinkel et al. 1999; Wang et al. 1999; Vaz et al. 1999; Dobrowolski et al. 2005; Li et al. 2010; Kilic et al. 2012; Rose et al. 2012). The mother of one of the heterozygous patients was also a carrier of the variant but was asymptomatic. Control data are not available for the p.Arg282Ter variant, which is reported at a frequency of 0.00029 in the African population of the Exome Aggregation Consortium. The p.Arg282Ter variant has also been associated with an unconventional splicing defect (Burwinkel et al. 1999). Fibroblasts from one of the homozygous individuals were shown to exhibit absent saturable carnitine transport and 25% of the normal mRNA expression. Functional studies in Chinese hamster ovary cells showed that transfection with the wildtype protein could increase carnitine transport but that expression of the p.Arg282Ter variant protein could not (Wang et al. 1999). Based on the collective evidence and the potential impact of stop-gained variants, the p.Arg282Ter variant is classified as pathogenic for systemic primary carnitine deficiency. This variant was observed by ICSL as part of a predisposition screen in an ostensibly healthy population.

Department of Reproductive Genetics, International Peace Maternity and Child Health Hospital, Shanghai Jiao Tong University School of Medicine
Classification: Pathogenic for Carnitine deficiency, systemic primary. Last evaluated: 2025-05-01. Review status: no assertion criteria provided. Collection method: clinical testing. Allele origin: inherited. Affected: yes. Not counted in ClinVar's aggregate classification.

PreventionGenetics, part of Exact Sciences
Classification: Pathogenic for SLC22A5-related condition. Last evaluated: 2024-03-18. Review status: no assertion criteria provided. Collection method: clinical testing. Allele origin: germline. Not counted in ClinVar's aggregate classification.
Comment: The SLC22A5 c.844C>T variant is predicted to result in premature protein termination (p.Arg282*). This variant has been reported in the homozygous and compound heterozygous states in multiple individuals with systemic primary carnitine deficiency (see, for example, Wang et al. 1999. PubMed ID: 10051646; Vaz et al. 1999. PubMed ID: 10480371; Frigeni et al. 2017. PubMed ID: 28841266; Lamhonwah et al. 2018. PubMed ID: 29636919; Lin et al. 2021. PubMed ID: 34863234). In vitro functional studies demonstrate that this variant results in a loss of protein expression and carnitine transport activity (Wang et al. 1999. PubMed ID: 10051646; Vaz et al. 1999. PubMed ID: 10480371). This variant is reported in 0.025% of alleles in individuals of African descent in gnomAD. Nonsense variants in SLC22A5 are expected to be pathogenic. Taken together, this variant is interpreted as pathogenic.

OMIM
Classification: Pathogenic for CARNITINE DEFICIENCY, SYSTEMIC PRIMARY. Last evaluated: 1999-08-02. Review status: no assertion criteria provided. Collection method: literature only. Allele origin: germline. Not counted in ClinVar's aggregate classification.

Literature cited by the submitters: PubMed 9916797 (cited by Labcorp Genetics (formerly Invitae), Labcorp); PubMed 10051646 (cited by 5 submitters); PubMed 10425211 (cited by 4 submitters); PubMed 10480371 (cited by 4 submitters); PubMed 21922592 (cited by 3 submitters); PubMed 28841266 (cited by 3 submitters); PubMed 34863234 (cited by Ambry Genetics); PubMed 15714519 (cited by Women's Health and Genetics/Laboratory Corporation of America, LabCorp and Illumina Laboratory Services, Illumina); PubMed 20574985 (cited by Illumina Laboratory Services, Illumina); PubMed 23430869 (cited by Illumina Laboratory Services, Illumina).

NM_003060.4(SLC22A5):c.844C>T (p.Arg282Ter)

Gene: SLC22A5 (solute carrier family 22 member 5; plus strand). Cytogenetic location: 5q31.1.
Variant type: single nucleotide variant.
Coding change: c.844C>T on transcript NM_003060.4 (MANE Select); coding-DNA position 844, C replaced by T.
Protein change: p.Arg282Ter; replaces arginine 282 with a stop codon.
Molecular consequence: nonsense.
Genome position (GRCh38, 1-based): chr5:132,387,044, C>T. VCF-style: chr5-132387044-C-T. GRCh37 (hg19) VCF-style: chr5-131722736-C-T.
Other names: c.916C>T, p.Arg306Ter (NM_001308122.2); short protein forms R282*, R306*.
Identifiers: ClinVar variation 6416 (VCV000006416.75), dbSNP rs121908886, ClinGen allele CA340580.